The following is an entry in ClinVar:

NM_017617.5(NOTCH1):c.140+6324C>T

Gene: NOTCH1 (notch receptor 1; minus strand). Cytogenetic location: 9q34.3.
Variant type: single nucleotide variant.
Coding change: c.140+6324C>T on transcript NM_017617.5 (MANE Select); 6324 bases into the intron after coding-DNA position 140, C replaced by T.
Molecular consequence: intron variant.
Genome position (GRCh38, 1-based): chr9:136,537,700, G>A on the plus strand (C>T on the coding strand, the complement: NOTCH1 is on the minus strand). VCF-style: chr9-136537700-G-A. GRCh37 (hg19) VCF-style: chr9-139432152-G-A.
Identifiers: ClinVar variation 4084731 (VCV004084731.8).

ClinVar aggregate classification (germline): Likely benign (1 of 4 stars; one submission).

gnomAD v4.1: 367 of 152,328 alleles (0.24%); highest among the groups gnomAD compares: African/African-American, 0.83%; 1 homozygote.

Submission:

CeGaT Center for Human Genetics Tuebingen
Classification: Likely benign. Last evaluated: 2025-07-01. Review status: criteria provided, single submitter. Criteria: CeGaT Center For Human Genetics Tuebingen Variant Classification Criteria Version 2. Collection method: clinical testing. Allele origin: germline. Affected: yes. Observed: 1 variant allele.
Comment: NOTCH1: BS1